The following is an entry in ClinVar:

NC_000023.11:g.(?_32310072)_(32518150_?)dup

Gene: DMD (dystrophin; minus strand). Cytogenetic location: Xp21.1.
Variant type: Duplication.
Identifiers: ClinVar variation 833435 (VCV000833435.8).

ClinVar aggregate classification (germline): Likely pathogenic (1 of 4 stars; one submission).

Conditions:
Duchenne muscular dystrophy (DMD). Also called: Duchenne Muscular Dystrophy (DMD); MUSCULAR DYSTROPHY, PSEUDOHYPERTROPHIC PROGRESSIVE, DUCHENNE TYPE. Identifiers: Orphanet 98896, MedGen C0013264, MONDO:0010679, OMIM 310200.

Submission:

Labcorp Genetics (formerly Invitae), Labcorp
Classification: Likely pathogenic for Duchenne muscular dystrophy. Last evaluated: 2019-04-01. Review status: criteria provided, single submitter. Criteria: Invitae Variant Classification Sherloc (09022015). Collection method: clinical testing. Allele origin: germline.
Comment: In summary, the currently available evidence indicates that the variant is pathogenic, but additional data are needed to prove that conclusively. Therefore, this variant has been classified as Likely Pathogenic. Loss-of-function variants in DMD are known to be pathogenic (PMID: 16770791, 25007885). This variant has been observed in an individual affected with Duchenne muscular dystrophy (PMID:¬†22223181). This variant is also described as¬†c.2169-?_6117+?dup¬†in the literature. This variant results in a copy number gain of the genomic region encompassing exons 18-42 of the DMD gene. While the exact position of this variant cannot be determined from this data, sub-genic copy number gains are generally in tandem (PMID: 25640679) and may result in an absent or disrupted protein product.

Literature cited by the submitters: PubMed 16770791; PubMed 25007885; PubMed 25640679.